The following is an entry in ClinVar:

ClinVar aggregate classification (germline): Pathogenic (1 of 4 stars; one submission).

Conditions:
Lissencephaly due to LIS1 mutation (LIS1). Also called: Isolated Lissencephaly Sequence; PAFAH1B1-Associated Lissencephaly/Subcortical Band Heterotopia; PAFAH1B1-Related Lissencephaly/Subcortical Band Heterotopia. Identifiers: Orphanet 95232, MedGen C4749301, MONDO:0011830, OMIM 607432.

Submission:

Baylor Genetics
Classification: Pathogenic for Lissencephaly 1. Last evaluated: 2013-05-16. Review status: criteria provided, single submitter. Criteria: Yang et al. 2013. Collection method: clinical testing. Allele origin: germline. Inheritance: Autosomal dominant inheritance. Affected: yes. Observed: 1 variant allele, 1 heterozygote. Study: Adult_WES.

Literature cited by the submitters: PubMed 26633545; PubMed 19667223.

NM_000430.4(PAFAH1B1):c.523A>T (p.Lys175Ter)

Gene: PAFAH1B1 (platelet activating factor acetylhydrolase 1b regulatory subunit 1; plus strand). Cytogenetic location: 17p13.3.
Variant type: single nucleotide variant.
Coding change: c.523A>T on transcript NM_000430.4 (MANE Select); coding-DNA position 523, A replaced by T.
Protein change: p.Lys175Ter; replaces lysine 175 with a stop codon.
Molecular consequence: nonsense.
Genome position (GRCh38, 1-based): chr17:2,670,286, A>T. VCF-style: chr17-2670286-A-T. GRCh37 (hg19) VCF-style: chr17-2573580-A-T.
Other names: short protein forms K175*.
Identifiers: ClinVar variation 209180 (VCV000209180.2), dbSNP rs797045061, ClinGen allele CA276155.
Genomic context (GRCh38, chr17:2,670,286, plus strand): 5'-GACATTTCATTCGACCACAGCGGCAAGCTTCTGGCTTCCTGTTCTGCAGATATGACCATT[A>T]AACTATGGGATTTTCAGGGCTTTGAATGCATCAGAACCATGCACGGTAAGGGGTAGAGGA-3'